The following is an entry in ClinVar:

ClinVar aggregate classification (germline): Conflicting classifications of pathogenicity. Review status: criteria provided, conflicting classifications (1 of 4 stars). 2 submissions from 2 submitters: Uncertain significance (1); Likely benign (1). Last evaluated 2025-05-21.

Conditions:
Hereditary cancer-predisposing syndrome. Also called: Neoplastic Syndromes, Hereditary; Hereditary Cancer Syndrome; Tumor predisposition; Hereditary neoplastic syndrome. Identifiers: Orphanet 140162, MedGen C0027672, MeSH D009386, MONDO:0015356.
Hereditary breast ovarian cancer syndrome. Also called: Hereditary breast and ovarian cancer syndrome (HBOC); Hereditary breast and ovarian cancer; Breast and ovarian cancer; BRCA1- and BRCA2-Associated Hereditary Breast and Ovarian Cancer; Hereditary breast and ovarian cancer syndrome; Hereditary breast and/or ovarian cancer syndrome. Identifiers: Orphanet 145, MedGen C0677776, MeSH D061325, MONDO:0003582. Disease mechanism: loss of function.

Submissions (2):

Labcorp Genetics (formerly Invitae), Labcorp
Classification: Uncertain significance for Hereditary breast ovarian cancer syndrome. Last evaluated: 2025-05-21. Review status: criteria provided, single submitter. Criteria: Invitae Variant Classification Sherloc (09022015). Collection method: clinical testing. Allele origin: germline.
Comment: This sequence change replaces glutamic acid, which is acidic and polar, with lysine, which is basic and polar, at codon 350 of the BRCA2 protein (p.Glu350Lys). This variant is not present in population databases (gnomAD no frequency). This variant has not been reported in the literature in individuals affected with BRCA2-related conditions. ClinVar contains an entry for this variant (Variation ID: 945218). Invitae Evidence Modeling of protein sequence and biophysical properties (such as structural, functional, and spatial information, amino acid conservation, physicochemical variation, residue mobility, and thermodynamic stability) indicates that this missense variant is not expected to disrupt BRCA2 protein function with a negative predictive value of 95%. In summary, the available evidence is currently insufficient to determine the role of this variant in disease. Therefore, it has been classified as a Variant of Uncertain Significance.

University of Washington Department of Laboratory Medicine, University of Washington
Classification: Likely benign for Hereditary cancer-predisposing syndrome. Last evaluated: 2023-03-23. Review status: criteria provided, single submitter. Criteria: Dines et al. (Genet Med. 2020). Collection method: curation. Allele origin: germline.
Comment: Missense variant in a coldspot region where missense variants are very unlikely to be pathogenic (PMID:31911673).

BRCA2 exon 10 coldspot. Reclassification based on statistical prior probability.

NM_000059.4(BRCA2):c.1048G>A (p.Glu350Lys)

Gene: BRCA2 (BRCA2 DNA repair associated; plus strand). Cytogenetic location: 13q13.1.
Variant type: single nucleotide variant.
Coding change: c.1048G>A on transcript NM_000059.4 (MANE Select); coding-DNA position 1048, G replaced by A.
Protein change: p.Glu350Lys; replaces glutamic acid 350 with lysine.
Molecular consequence: missense variant.
Genome position (GRCh38, 1-based): chr13:32,332,526, G>A. VCF-style: chr13-32332526-G-A. GRCh37 (hg19) VCF-style: chr13-32906663-G-A.
Other names: short protein forms E350K.
Identifiers: ClinVar variation 945218 (VCV000945218.11), dbSNP rs2072403231, ClinGen allele CA387761263.